The following is an entry in ClinVar:

NM_001739.2(CA5A):c.575C>T (p.Thr192Met)

Gene: CA5A (carbonic anhydrase 5A; minus strand). Cytogenetic location: 16q24.2.
Variant type: single nucleotide variant.
Coding change: c.575C>T on transcript NM_001739.2 (MANE Select); coding-DNA position 575, C replaced by T.
Protein change: p.Thr192Met; replaces threonine 192 with methionine.
Molecular consequence: missense variant. On other transcripts: non-coding transcript variant (2).
Genome position (GRCh38, 1-based): chr16:87,901,955, G>A on the plus strand (C>T on the coding strand, the complement: CA5A is on the minus strand). VCF-style: chr16-87901955-G-A. GRCh37 (hg19) VCF-style: chr16-87935561-G-A.
Other names: p.Thr192Met; c.575C>T, p.Thr192Met (NM_001367225.1); c.575C>T (NM_001739.1); short protein forms T192M.
Identifiers: ClinVar variation 1041319 (VCV001041319.6), dbSNP rs145215237, ClinGen allele CA8223389.
Genomic context (GRCh38, chr16:87,901,955, plus strand): 5'-TCAAATATGCAGCTTACCTTATGTTTTATTTCCGGCAAGATGTCCACCAGCCTCTGCAGC[G>A]TCTGATGATGGGCCCCGAGCTGCATGGCAGACAAAGGAGGGGTTAGCTGCAAAGGCAGTG-3'
Protein context (NP_001730.1, residues 182-202): VFLKLGAHHQ[Thr192Met]LQRLVDILPE

ClinVar aggregate classification (germline): Uncertain significance. Review status: criteria provided, multiple submitters, no conflicts (2 of 4 stars). 4 submissions from 4 submitters: Uncertain significance (4). Last evaluated 2024-07-14.

Conditions:
Inborn genetic diseases. Identifiers: MedGen C0950123, MeSH D030342.
Hyperammonemic encephalopathy due to carbonic anhydrase VA deficiency. Also called: Carbonic Anhydrase VA Deficiency; Carbonic anhydrase VA deficiency, hyperammonemia due to. Identifiers: Orphanet 401948, MedGen C4706871, MONDO:0014332, OMIM 615751.

Allele frequency attached by ClinVar (database versions not stated): ExAC 0.00005; gnomAD 0.00017 and 0.00021; ESP Exome Variant Server 0.00023; TOPMed 0.00028.
gnomAD v4.1: 74 of 1,613,578 alleles (0.0046%); highest among the groups gnomAD compares: African/African-American, 0.061%; no homozygotes.

Submissions (4):

Ambry Genetics
Classification: Uncertain significance for Inborn genetic diseases. Last evaluated: 2024-07-14. Review status: criteria provided, single submitter. Criteria: Ambry Variant Classification Scheme 2023. Collection method: clinical testing. Allele origin: germline.

GeneDx
Classification: Uncertain significance. Last evaluated: 2024-02-27. Review status: criteria provided, single submitter. Criteria: GeneDx Variant Classification Process June 2021. Collection method: clinical testing. Allele origin: germline. Affected: yes.
Comment: In silico analysis supports that this missense variant does not alter protein structure/function; Has not been previously published as pathogenic or benign to our knowledge

Mayo Clinic Laboratories, Mayo Clinic
Classification: Uncertain significance. Last evaluated: 2023-07-05. Review status: criteria provided, single submitter. Criteria: ACMG Guidelines, 2015. Collection method: clinical testing. Allele origin: germline. Observed: 1 variant allele.
Comment: BP4, PM2_moderate

Labcorp Genetics (formerly Invitae), Labcorp
Classification: Uncertain significance for Hyperammonemic encephalopathy due to carbonic anhydrase VA deficiency. Last evaluated: 2021-10-25. Review status: criteria provided, single submitter. Criteria: Invitae Variant Classification Sherloc (09022015). Collection method: clinical testing. Allele origin: germline.
Comment: This sequence change replaces threonine, which is neutral and polar, with methionine, which is neutral and non-polar, at codon 192 of the CA5A protein (p.Thr192Met). This variant is present in population databases (rs145215237, gnomAD 0.07%). This variant has not been reported in the literature in individuals affected with CA5A-related conditions. ClinVar contains an entry for this variant (Variation ID: 1041319). Algorithms developed to predict the effect of missense changes on protein structure and function are either unavailable or do not agree on the potential impact of this missense change (SIFT: "Tolerated"; PolyPhen-2: "Possibly Damaging"; Align-GVGD: "Class C0"). In summary, the available evidence is currently insufficient to determine the role of this variant in disease. Therefore, it has been classified as a Variant of Uncertain Significance.